The following is an entry in ClinVar:

NM_020884.7(MYH7B):c.4991G>A (p.Arg1664Gln)

Gene: MYH7B (myosin heavy chain 7B; plus strand). Cytogenetic location: 20q11.22.
Variant type: single nucleotide variant.
Coding change: c.4991G>A on transcript NM_020884.7 (MANE Select); coding-DNA position 4991, G replaced by A.
Protein change: p.Arg1664Gln; replaces arginine 1664 with glutamine.
Molecular consequence: missense variant.
Genome position (GRCh38, 1-based): chr20:35,000,502, G>A. VCF-style: chr20-35000502-G-A. GRCh37 (hg19) VCF-style: chr20-33588305-G-A.
Other names: c.5117G>A (NM_020884.3); short protein forms R1664Q.
Identifiers: ClinVar variation 1470252 (VCV001470252.9), dbSNP rs558448583, ClinGen allele CA9828392.

ClinVar aggregate classification (germline): Uncertain significance. Review status: criteria provided, multiple submitters, no conflicts (2 of 4 stars). 2 submissions from 2 submitters: Uncertain significance (2). Last evaluated 2025-04-25.

Allele frequency attached by ClinVar (database versions not stated): ExAC 0.00001; gnomAD exomes 0.00001; gnomAD 0.00002 and 0.00004; TOPMed 0.00002; 1000 Genomes Project 30x 0.00031; 1000 Genomes Project 0.00040.
gnomAD v4.1: 21 of 1,598,346 alleles (0.0013%); highest among the groups gnomAD compares: African/African-American, 0.008%; no homozygotes.

Submissions (2):

Ambry Genetics
Classification: Uncertain significance. Last evaluated: 2025-04-25. Review status: criteria provided, single submitter. Criteria: Ambry Variant Classification Scheme 2023. Collection method: clinical testing. Allele origin: germline.

Labcorp Genetics (formerly Invitae), Labcorp
Classification: Uncertain significance. Last evaluated: 2021-01-29. Review status: criteria provided, single submitter. Criteria: Invitae Variant Classification Sherloc (09022015). Collection method: clinical testing. Allele origin: germline.
Comment: In summary, the available evidence is currently insufficient to determine the role of this variant in disease. Therefore, it has been classified as a Variant of Uncertain Significance. Algorithms developed to predict the effect of missense changes on protein structure and function output the following: SIFT: "Deleterious"; PolyPhen-2: "Benign"; Align-GVGD: "Class C35". The glutamine amino acid residue is found in multiple mammalian species, suggesting that this missense change does not adversely affect protein function. These predictions have not been confirmed by published functional studies and their clinical significance is uncertain. This variant has not been reported in the literature in individuals with MYH7B-related conditions. The frequency data for this variant in the population databases is considered unreliable, as metrics indicate poor data quality at this position in the ExAC database. This sequence change replaces arginine with glutamine at codon 1706 of the MYH7B protein (p.Arg1706Gln). The arginine residue is highly conserved and there is a small physicochemical difference between arginine and glutamine.